The following is an entry in ClinVar:

ClinVar aggregate classification (germline): Uncertain significance (1 of 4 stars; one submission).

Conditions:
Brugada syndrome. Also called: Sudden Unexplained Death Syndrome; Sudden Unexplained Nocturnal Death Syndrome (SUNDS); Sudden unexplained nocturnal death syndrome; Sudden unexpected nocturnal death syndrome. Identifiers: Orphanet 130, MedGen C1142166, MONDO:0015263.

Submission:

Labcorp Genetics (formerly Invitae), Labcorp
Classification: Uncertain significance for Brugada syndrome. Last evaluated: 2025-04-11. Review status: criteria provided, single submitter. Criteria: Invitae Variant Classification Sherloc (09022015). Collection method: clinical testing. Allele origin: germline.
Comment: This variant, c.1131_1132delinsCA, is a complex sequence change that results in the deletion of 2 and insertion of 2 amino acid(s) in the SLMAP protein (p.Leu377_Gln378delinsPheLys). Information on the frequency of this variant in the gnomAD database is not available, as this variant may be reported differently in the database. This variant has not been reported in the literature in individuals affected with SLMAP-related conditions. ClinVar contains an entry for this variant (Variation ID: 644177). Experimental studies and prediction algorithms are not available or were not evaluated, and the functional significance of this variant is currently unknown. In summary, the available evidence is currently insufficient to determine the role of this variant in disease. Therefore, it has been classified as a Variant of Uncertain Significance.

NM_001377540.1(SLMAP):c.1131_1132delinsCA (p.Leu377_Gln378delinsPheLys)

Gene: SLMAP (sarcolemma associated protein; plus strand). Cytogenetic location: 3p14.3.
Variant type: Indel.
Coding change: c.1131_1132delinsCA on transcript NM_001377540.1 (MANE Select); coding-DNA positions 1131 to 1132, AC replaced by CA.
Protein change: p.Leu377_Gln378delinsPheLys.
Molecular consequence: missense variant. On other transcripts: non-coding transcript variant (1).
Genome position (GRCh38, 1-based): chr3:57,864,712-57,864,713, AC replaced by CA. VCF-style: chr3-57864712-AC-CA. GRCh37 (hg19) VCF-style: chr3-57850439-AC-CA.
Other names: c.1131_1132delinsCA, p.Leu377_Gln378delinsPheLys (NM_001304420.3, NM_001304421.2, NM_001377538.1 and 17 more transcripts).
Identifiers: ClinVar variation 644177 (VCV000644177.5), dbSNP rs1577969548, ClinGen allele CA915942536.
Genomic context (GRCh38, chr3:57,864,712, plus strand): 5'-GGCAAAAATAGAAGCTTTGCAAGCTGATAATGATTTCACCAATGAAAGGCTAACAGCTTT[AC>CA]AAGGTAAGTAGCTAATCCAGAAATTGATTTTATTTTATTTTTTTTCTTGTTATCTGTGAA-3'